The following is an entry in ClinVar:

NM_020376.4(PNPLA2):c.1415C>G (p.Ala472Gly)

Gene: PNPLA2 (patatin like domain 2, triacylglycerol lipase; plus strand). Cytogenetic location: 11p15.5.
Variant type: single nucleotide variant.
Coding change: c.1415C>G on transcript NM_020376.4 (MANE Select); coding-DNA position 1415, C replaced by G.
Protein change: p.Ala472Gly; replaces alanine 472 with glycine.
Molecular consequence: missense variant.
Genome position (GRCh38, 1-based): chr11:824,762, C>G. VCF-style: chr11-824762-C-G. GRCh37 (hg19) VCF-style: chr11-824762-C-G.
Other names: short protein forms A472G.
Identifiers: ClinVar variation 465784 (VCV000465784.11), dbSNP rs765640246, ClinGen allele CA5791404.
Genomic context (GRCh38, chr11:824,762, plus strand): 5'-TGGCCTTCCCGCCCGAAGCTCTGCGCATGCGCGCACCCGCCGACCCGGCTCCCGCCCCCG[C>G]GGACCCAGCATCCCCGCAGCACCAGCTGGCCGGGCCTGCCCCCTTGCTGAGCACCCCTGC-3'
Protein context (NP_065109.1, residues 462-482): RAPADPAPAP[Ala472Gly]DPASPQHQLA

ClinVar aggregate classification (germline): Uncertain significance. Review status: criteria provided, multiple submitters, no conflicts (2 of 4 stars). 4 submissions from 4 submitters: Uncertain significance (4). Last evaluated 2025-06-19.

Conditions:
Neutral lipid storage myopathy (NLSDM). Also called: NEUTRAL LIPID STORAGE DISEASE WITHOUT ICHTHYOSIS. Identifiers: Orphanet 98908, MedGen C1853136, MONDO:0012545, OMIM 610717.
Inborn genetic diseases. Identifiers: MedGen C0950123, MeSH D030342.

Allele frequency attached by ClinVar (database versions not stated): TOPMed 0.00008; gnomAD 0.00009 and 0.00011.

Submissions (4):

Revvity Omics, Revvity
Classification: Uncertain significance for Neutral lipid storage myopathy. Last evaluated: 2025-06-19. Review status: criteria provided, single submitter. Criteria: ACMG Guidelines, 2015. Collection method: clinical testing. Allele origin: germline.

Ambry Genetics
Classification: Uncertain significance for Inborn genetic diseases. Last evaluated: 2024-06-16. Review status: criteria provided, single submitter. Criteria: Ambry Variant Classification Scheme 2023. Collection method: clinical testing. Allele origin: germline.

Labcorp Genetics (formerly Invitae), Labcorp
Classification: Uncertain significance for Neutral lipid storage myopathy. Last evaluated: 2022-08-09. Review status: criteria provided, single submitter. Criteria: Invitae Variant Classification Sherloc (09022015). Collection method: clinical testing. Allele origin: germline.
Comment: This sequence change replaces alanine, which is neutral and non-polar, with glycine, which is neutral and non-polar, at codon 472 of the PNPLA2 protein (p.Ala472Gly). The frequency data for this variant in the population databases is considered unreliable, as metrics indicate poor data quality at this position in the gnomAD database. This variant has not been reported in the literature in individuals affected with PNPLA2-related conditions. ClinVar contains an entry for this variant (Variation ID: 465784). Algorithms developed to predict the effect of missense changes on protein structure and function (SIFT, PolyPhen-2, Align-GVGD) all suggest that this variant is likely to be tolerated. In summary, the available evidence is currently insufficient to determine the role of this variant in disease. Therefore, it has been classified as a Variant of Uncertain Significance.

Victorian Clinical Genetics Services, Murdoch Childrens Research Institute
Classification: Uncertain significance for Neutral lipid storage myopathy. Last evaluated: 2020-05-21. Review status: criteria provided, single submitter. Criteria: ACMG Guidelines, 2015. Collection method: clinical testing. Allele origin: germline. Inheritance: Autosomal recessive inheritance. Affected: yes.
Comment: A heterozygous missense variant was identified, NM_020376.3(PNPLA2):c.1415C>G in exon 10 of 10 of the PNPLA2 gene. This substitution is predicted to create a minor amino acid change from alanine to glycine at position 472 of the protein, NP_065109.1(PNPLA2):p.(Ala472Gly). The alanine at this position has low conservation (100 vertebrates, UCSC), but is not situated in a known functional domain. In silico software predicts this variant to be tolerated (Polyphen, SIFT, CADD, Mutation Taster). The variant is present in the gnomAD population database at a frequency of 0.005% (8 heterozygotes, 1 homozygote). This variant has been previously reported as a VUS in ClinVar. Based on information available at the time of curation, this variant has been classified as a VARIANT of UNCERTAIN SIGNIFICANCE (VUS) with LOW CLINICAL RELEVANCE.